The following is an entry in ClinVar:

ClinVar aggregate classification (germline): Uncertain significance (1 of 4 stars; one submission).

Conditions:
Hereditary cancer-predisposing syndrome. Also called: Tumor predisposition; Hereditary Cancer Syndrome; Neoplastic Syndromes, Hereditary; Hereditary neoplastic syndrome. Identifiers: Orphanet 140162, MedGen C0027672, MeSH D009386, MONDO:0015356.

Submission:

Color Diagnostics, LLC DBA Color Health
Classification: Uncertain significance for Hereditary cancer-predisposing syndrome. Last evaluated: 2025-06-24. Review status: criteria provided, single submitter. Criteria: ACMG Guidelines, 2015. Collection method: clinical testing. Allele origin: germline.
Comment: This missense variant replaces glycine with tryptophan at codon 57 of the BRCA1 protein. Computational prediction is inconclusive regarding the impact of this variant on protein structure and function. Functional studies have reported that this variant does not impact BRCA1 binding to BARD1 in yeast and mammalian two-hybrid assays and in ubiquitin E3 ligase assay (PMID: 25823446, 35659930). This variant has not been reported in individuals affected with BRCA1-related disorders in the literature. This variant has not been identified in the general population by the Genome Aggregation Database (gnomAD). The available evidence is insufficient to determine the role of this variant in disease conclusively. Therefore, this variant is classified as a Variant of Uncertain Significance.

Literature cited by the submitters: PubMed 25823446; PubMed 35659930.

NM_007294.4(BRCA1):c.169G>T (p.Gly57Trp)

Gene: BRCA1 (BRCA1 DNA repair associated; minus strand). Cytogenetic location: 17q21.31.
Variant type: single nucleotide variant.
Coding change: c.169G>T on transcript NM_007294.4 (MANE Select); coding-DNA position 169, G replaced by T.
Protein change: p.Gly57Trp; replaces glycine 57 with tryptophan.
Molecular consequence: missense variant. On other transcripts: 5 prime UTR variant (61), intron variant (34).
Genome position (GRCh38, 1-based): chr17:43,106,499, C>A on the plus strand (G>T on the coding strand, the complement: BRCA1 is on the minus strand). VCF-style: chr17-43106499-C-A. GRCh37 (hg19) VCF-style: chr17-41258516-C-A.
Other names: c.169G>T, p.Gly57Trp (NM_001407638.1, NM_001407639.1, NM_001407640.1 and 167 more transcripts); c.-20G>T (NM_001407910.1, NM_001407915.1, NM_001407916.1 and 58 more transcripts); c.28G>T, p.Gly10Trp (NM_001407920.1, NM_001407921.1, NM_001407922.1 and 99 more transcripts); c.-218-11639G>T (NM_001407967.1, NM_001407966.1); c.-169-1543G>T (NM_001407959.1, NM_001407962.1, NM_001408512.1 and 4 more transcripts); c.81-1543G>T (NM_001408451.1); c.135-1543G>T (NM_001408475.1, NM_001407875.1, NM_001407659.1 and 21 more transcripts); short protein forms G10W, G57W.
Identifiers: ClinVar variation 4757058 (VCV004757058.1).